The following is an entry in ClinVar:

ClinVar aggregate classification (germline): Uncertain significance. Review status: criteria provided, multiple submitters, no conflicts (2 of 4 stars). 2 submissions from 2 submitters: Uncertain significance (2). Last evaluated 2023-09-04.

Conditions:
Cardiomyopathy (CMYO). Also called: Cardiomyopathies. Identifiers: Orphanet 167848, MedGen C0878544, MONDO:0004994, HP:0001638. Inheritance: Various modes of inheritance.

gnomAD v4.1: 3 of 1,614,226 alleles (0.00019%); highest among the groups gnomAD compares: Non-Finnish European, 0.00025%; no homozygotes.

Submissions (2):

All of Us Research Program, National Institutes of Health
Classification: Uncertain significance for Cardiomyopathy. Last evaluated: 2023-09-04. Review status: criteria provided, single submitter. Criteria: ACMG Guidelines, 2015. Collection method: clinical testing. Allele origin: germline. Inheritance: Autosomal dominant inheritance. Observed: 1 variant allele, 1 heterozygote.
Comment: This missense variant replaces leucine with phenylalanine at codon 1512 of the MYH7 protein. Computational prediction suggests that this variant may have deleterious impact on protein structure and function (internally defined REVEL score threshold >= 0.7, PMID: 27666373). To our knowledge, functional studies have not been reported for this variant. This variant has not been reported in individuals affected with MYH7-related disorders in the literature. This variant has been identified in 1/251486 chromosomes in the general population by the Genome Aggregation Database (gnomAD). The available evidence is insufficient to determine the role of this variant in disease conclusively. Therefore, this variant is classified as a Variant of Uncertain Significance.

This study involves interpretation of variants in research participants for the purpose of population health screening. Participant phenotype was not available at the time of variant classification. Additional details can be found in publication PMID: 35346344, PMCID: PMC8962531

Color Diagnostics, LLC DBA Color Health
Classification: Uncertain significance for Cardiomyopathy. Last evaluated: 2023-08-23. Review status: criteria provided, single submitter. Criteria: ACMG Guidelines, 2015. Collection method: clinical testing. Allele origin: germline.
Comment: This missense variant replaces leucine with phenylalanine at codon 1512 of the MYH7 protein. Computational prediction suggests that this variant may have deleterious impact on protein structure and function. To our knowledge, functional studies have not been reported for this variant. This variant has not been reported in individuals affected with MYH7-related disorders in the literature. This variant has been identified in 1/251486 chromosomes in the general population by the Genome Aggregation Database (gnomAD). The available evidence is insufficient to determine the role of this variant in disease conclusively. Therefore, this variant is classified as a Variant of Uncertain Significance.

NM_000257.4(MYH7):c.4536G>C (p.Leu1512Phe)

Genes: MHRT (myosin heavy chain associated RNA transcript; plus strand), MYH7 (myosin heavy chain 7; minus strand). Cytogenetic location: 14q11.2.
Variant type: single nucleotide variant.
Coding change: c.4536G>C on transcript NM_000257.4 (MANE Select); coding-DNA position 4536, G replaced by C.
Protein change: p.Leu1512Phe; replaces leucine 1512 with phenylalanine.
Molecular consequence: missense variant. On other transcripts: non-coding transcript variant (1).
Genome position (GRCh38, 1-based): chr14:23,416,976, C>G on the plus strand (G>C on the coding strand, the complement: MYH7 is on the minus strand). VCF-style: chr14-23416976-C-G. GRCh37 (hg19) VCF-style: chr14-23886185-C-G.
Other names: c.4536G>C, p.Leu1512Phe (NM_001407004.1); short protein forms L1512F.
Identifiers: ClinVar variation 3073345 (VCV003073345.2), dbSNP rs780259714, ClinGen allele CA042803.